The following is an entry in ClinVar:

ClinVar aggregate classification (germline): Likely benign. Review status: criteria provided, multiple submitters, no conflicts (2 of 4 stars). 2 submissions from 2 submitters: Likely benign (2). Last evaluated 2024-09-18.

Conditions:
Chromosome 2q32-q33 deletion syndrome (GLASS). Also called: Glass syndrome; 2q33.1 deletion syndrome. Identifiers: Orphanet 251019, MedGen C2676739, MONDO:0012864, OMIM 612313.

Allele frequency attached by ClinVar (database versions not stated): TOPMed below 0.00001.

Submissions (2):

Women's Health and Genetics/Laboratory Corporation of America, LabCorp
Classification: Likely benign. Last evaluated: 2024-09-18. Review status: criteria provided, single submitter. Criteria: LabCorp Variant Classification Summary - May 2015. Collection method: clinical testing. Allele origin: germline.
Comment: Variant summary: SATB2 c.1806C>G alters a conserved nucleotide resulting in a synonymous change. Consensus agreement among computation tools predict no significant impact on normal splicing. However, these predictions have yet to be confirmed by functional studies. The variant was absent in 250702 control chromosomes. The available data on variant occurrences in the general population are insufficient to allow any conclusion about variant significance. To our knowledge, no occurrence of c.1806C>G in individuals affected with SATB2 Associated Disorder and no experimental evidence demonstrating its impact on protein function have been reported. ClinVar contains an entry for this variant (Variation ID: 2748605). Based on the evidence outlined above, the variant was classified as likely benign.

Labcorp Genetics (formerly Invitae), Labcorp
Classification: Likely benign for Chromosome 2q32-q33 deletion syndrome. Last evaluated: 2023-07-31. Review status: criteria provided, single submitter. Criteria: Invitae Variant Classification Sherloc (09022015). Collection method: clinical testing. Allele origin: germline.

NM_001172509.2(SATB2):c.1806C>G (p.Pro602=)

Genes: SATB2 (SATB homeobox 2; minus strand), LOC126806462 (MED14-independent group 3 enhancer GRCh37_chr2:200136608-200137807; plus strand). Cytogenetic location: 2q33.1.
Variant type: single nucleotide variant.
Coding change: c.1806C>G on transcript NM_001172509.2 (MANE Select); coding-DNA position 1806, C replaced by G.
Protein change: p.Pro602=; no amino-acid change (proline 602 retained).
Molecular consequence: synonymous variant.
Genome position (GRCh38, 1-based): chr2:199,272,607, G>C on the plus strand (C>G on the coding strand, the complement: SATB2 is on the minus strand). VCF-style: chr2-199272607-G-C. GRCh37 (hg19) VCF-style: chr2-200137330-G-C.
Other names: c.1806C>G, p.Pro602= (NM_001172517.1, NM_015265.4).
Identifiers: ClinVar variation 2748605 (VCV002748605.4), dbSNP rs1046317203, ClinGen allele CA430835029.